The following is an entry in ClinVar:

NM_007294.4(BRCA1):c.3665del (p.Glu1222fs)

Genes: BRCA1 (BRCA1 DNA repair associated; minus strand), LOC126862571 (BRD4-independent group 4 enhancer GRCh37_chr17:41243136-41244335; plus strand). Cytogenetic location: 17q21.31.
Variant type: Deletion.
Coding change: c.3665del on transcript NM_007294.4 (MANE Select); coding-DNA position 3665, one base deleted (A; older notation c.3665delA).
Protein change: p.Glu1222fs; shifts the reading frame from glutamic acid 1222.
Molecular consequence: frameshift variant. On other transcripts: intron variant (135).
Genome position (GRCh38, 1-based): chr17:43,091,866, T deleted on the plus strand (A on the coding strand, the reverse complement: BRCA1 is on the minus strand). VCF-style (leftmost placement, unchanged base first): chr17-43091865-CT-C. GRCh37 (hg19) VCF-style: chr17-41243882-CT-C.
Other names: c.3662del, p.Glu1221fs (NM_001407611.1, NM_001407612.1, NM_001407613.1 and 22 more transcripts); c.3665del, p.Glu1222fs (NM_001407616.1, NM_001407617.1, NM_001407618.1 and 30 more transcripts); c.3656del, p.Glu1219fs (NM_001407646.1, NM_001407647.1); c.3542del, p.Glu1181fs (NM_001407648.1, NM_001407664.1, NM_001407665.1 and 19 more transcripts); c.3539del, p.Glu1180fs (NM_001407649.1, NM_001407670.1, NM_001407671.1 and 11 more transcripts); c.3587del, p.Glu1196fs (NM_001407653.1, NM_001407654.1, NM_001407655.1 and 4 more transcripts); c.3584del, p.Glu1195fs (NM_001407659.1, NM_001407660.1, NM_001407661.1 and 1 more transcripts); c.3524del, p.Glu1175fs (NM_001407692.1, NM_001407694.1, NM_001407695.1 and 29 more transcripts); and 42 more; short protein forms E1175fs, E1222fs, E1054fs, E1110fs, E1133fs, E1151fs, E1154fs, E1174fs.
Identifiers: ClinVar variation 628180 (VCV000628180.22), dbSNP rs1567790674, ClinGen allele CA913187812.

ClinVar aggregate classification (germline): Pathogenic. Review status: criteria provided, multiple submitters, no conflicts (2 of 4 stars). 3 submissions from 3 submitters: Pathogenic (3). Last evaluated 2020-04-22.

Conditions:
Hereditary cancer-predisposing syndrome. Also called: Neoplastic Syndromes, Hereditary; Tumor predisposition; Hereditary neoplastic syndrome; Hereditary Cancer Syndrome. Identifiers: Orphanet 140162, MedGen C0027672, MeSH D009386, MONDO:0015356.
Hereditary breast ovarian cancer syndrome. Also called: Hereditary breast and ovarian cancer syndrome; Hereditary breast and ovarian cancer; Hereditary breast and ovarian cancer syndrome (HBOC); Breast and ovarian cancer; Hereditary breast and/or ovarian cancer syndrome; BRCA1- and BRCA2-Associated Hereditary Breast and Ovarian Cancer. Identifiers: Orphanet 145, MedGen C0677776, MeSH D061325, MONDO:0003582. Disease mechanism: loss of function.

Submissions (3):

Ambry Genetics
Classification: Pathogenic for Hereditary cancer-predisposing syndrome. Last evaluated: 2020-04-22. Review status: criteria provided, single submitter. Criteria: Ambry Variant Classification Scheme 2023. Collection method: clinical testing. Allele origin: germline.
Comment: The c.3665delA pathogenic mutation, located in coding exon 9 of the BRCA1 gene, results from a deletion of one nucleotide at nucleotide position 3665, causing a translational frameshift with a predicted alternate stop codon (p.E1222Gfs*13). This alteration is expected to result in loss of function by premature protein truncation or nonsense-mediated mRNA decay. As such, this alteration is interpreted as a disease-causing mutation.

Color Diagnostics, LLC DBA Color Health
Classification: Pathogenic for Hereditary cancer-predisposing syndrome. Last evaluated: 2020-01-15. Review status: criteria provided, single submitter. Criteria: ACMG Guidelines, 2015. Collection method: clinical testing. Allele origin: germline.
Comment: This variant deletes 1 nucleotide in exon 10 of the BRCA1 gene, creating a frameshift and premature translation stop signal. This variant is expected to result in an absent or non-functional protein product. This variant has not been identified in the general population by the Genome Aggregation Database (gnomAD). Loss of BRCA1 function is a known mechanism of disease. Based on the available evidence, this variant is classified as Pathogenic.

Labcorp Genetics (formerly Invitae), Labcorp
Classification: Pathogenic for Hereditary breast ovarian cancer syndrome. Last evaluated: 2020-01-01. Review status: criteria provided, single submitter. Criteria: Invitae Variant Classification Sherloc (09022015). Collection method: clinical testing. Allele origin: germline.
Comment: For these reasons, this variant has been classified as Pathogenic. Loss-of-function variants in BRCA1 are known to be pathogenic (PMID: 20104584). This variant has not been reported in the literature in individuals with BRCA1-related conditions. ClinVar contains an entry for this variant (Variation ID: 628180). This variant is not present in population databases (ExAC no frequency). This sequence change creates a premature translational stop signal (p.Glu1222Glyfs*13) in the BRCA1 gene. It is expected to result in an absent or disrupted protein product.

Literature cited by the submitters: PubMed 20104584 (cited by Labcorp Genetics (formerly Invitae), Labcorp).